The following is an entry in ClinVar:

ClinVar aggregate classification (germline): Uncertain significance (1 of 4 stars; one submission).

Allele frequency attached by ClinVar (database versions not stated): gnomAD exomes below 0.00001 and 0.00001; TOPMed below 0.00001; ExAC 0.00001.
gnomAD v4.1: 11 of 1,614,136 alleles (0.00068%); highest among the groups gnomAD compares: African/African-American, 0.0013%; no homozygotes.

Submission:

Labcorp Genetics (formerly Invitae), Labcorp
Classification: Uncertain significance. Last evaluated: 2024-09-16. Review status: criteria provided, single submitter. Criteria: Invitae Variant Classification Sherloc (09022015). Collection method: clinical testing. Allele origin: germline.
Comment: This sequence change replaces threonine, which is neutral and polar, with methionine, which is neutral and non-polar, at codon 578 of the AHR protein (p.Thr578Met). This variant is present in population databases (rs771070387, gnomAD 0.0009%). This variant has not been reported in the literature in individuals affected with AHR-related conditions. ClinVar contains an entry for this variant (Variation ID: 1036071). An algorithm developed to predict the effect of missense changes on protein structure and function (PolyPhen-2) suggests that this variant is likely to be disruptive. In summary, the available evidence is currently insufficient to determine the role of this variant in disease. Therefore, it has been classified as a Variant of Uncertain Significance.

NM_001621.5(AHR):c.1733C>T (p.Thr578Met)

Gene: AHR (aryl hydrocarbon receptor; plus strand). Cytogenetic location: 7p21.1.
Variant type: single nucleotide variant.
Coding change: c.1733C>T on transcript NM_001621.5 (MANE Select); coding-DNA position 1733, C replaced by T.
Protein change: p.Thr578Met; replaces threonine 578 with methionine.
Molecular consequence: missense variant.
Genome position (GRCh38, 1-based): chr7:17,339,558, C>T. VCF-style: chr7-17339558-C-T. GRCh37 (hg19) VCF-style: chr7-17379182-C-T.
Other names: short protein forms T578M.
Identifiers: ClinVar variation 1036071 (VCV001036071.8), dbSNP rs771070387, ClinGen allele CA4172173.